The following is an entry in ClinVar:

ClinVar aggregate classification (germline): Uncertain significance (1 of 4 stars; one submission).

Submission:

GeneDx
Classification: Uncertain significance. Last evaluated: 2023-03-13. Review status: criteria provided, single submitter. Criteria: GeneDx Variant Classification Process June 2021. Collection method: clinical testing. Allele origin: germline. Affected: yes.
Comment: Not observed at significant frequency in large population cohorts (gnomAD); In silico analysis supports that this missense variant has a deleterious effect on protein structure/function; Has not been previously published as pathogenic or benign to our knowledge

NM_001134407.3(GRIN2A):c.1076C>T (p.Pro359Leu)

Gene: GRIN2A (glutamate ionotropic receptor NMDA type subunit 2A; minus strand). Cytogenetic location: 16p13.2.
Variant type: single nucleotide variant.
Coding change: c.1076C>T on transcript NM_001134407.3 (MANE Select); coding-DNA position 1076, C replaced by T.
Protein change: p.Pro359Leu; replaces proline 359 with leucine.
Molecular consequence: missense variant.
Genome position (GRCh38, 1-based): chr16:9,891,032, G>A on the plus strand (C>T on the coding strand, the complement: GRIN2A is on the minus strand). VCF-style: chr16-9891032-G-A. GRCh37 (hg19) VCF-style: chr16-9984889-G-A.
Other names: c.1076C>T, p.Pro359Leu (NM_000833.5, NM_001134408.2); short protein forms P359L.
Identifiers: ClinVar variation 2580109 (VCV002580109.1), dbSNP rs2043684685, ClinGen allele CA394797465.